The following is an entry in ClinVar:

ClinVar aggregate classification (germline): Uncertain significance (1 of 4 stars; one submission).

gnomAD v4.1: 18 of 1,611,206 alleles (0.0011%); highest among the groups gnomAD compares: Middle Eastern, 0.033%; no homozygotes.

Submission:

Labcorp Genetics (formerly Invitae), Labcorp
Classification: Uncertain significance. Last evaluated: 2025-10-21. Review status: criteria provided, single submitter. Criteria: Invitae Variant Classification Sherloc (09022015). Collection method: clinical testing. Allele origin: germline.
Comment: This sequence change affects codon 339 of the DPF2 mRNA. It is a 'silent' change, meaning that it does not change the encoded amino acid sequence of the DPF2 protein. It affects a nucleotide within the consensus splice site. This variant is present in population databases (rs752651232, gnomAD 0.004%). This variant has not been reported in the literature in individuals affected with DPF2-related conditions. ClinVar contains an entry for this variant (Variation ID: 3607542). Algorithms developed to predict the effect of sequence changes on RNA splicing suggest that this variant is not likely to affect RNA splicing. In summary, the available evidence is currently insufficient to determine the role of this variant in disease. Therefore, it has been classified as a Variant of Uncertain Significance.

NM_006268.5(DPF2):c.1017C>T (p.Asp339=)

Gene: DPF2 (double PHD fingers 2; plus strand). Cytogenetic location: 11q13.1.
Variant type: single nucleotide variant.
Coding change: c.1017C>T on transcript NM_006268.5 (MANE Select); coding-DNA position 1017, C replaced by T.
Protein change: p.Asp339=; no amino-acid change (aspartic acid 339 retained).
Molecular consequence: synonymous variant.
Genome position (GRCh38, 1-based): chr11:65,346,359, C>T. VCF-style: chr11-65346359-C-T. GRCh37 (hg19) VCF-style: chr11-65113830-C-T.
Other names: c.1059C>T, p.Asp353= (NM_001330308.2).
Identifiers: ClinVar variation 3607542 (VCV003607542.2).